The following is an entry in ClinVar:

NM_001042492.3(NF1):c.5482C>G (p.Arg1828Gly)

Gene: NF1 (neurofibromin 1; plus strand). Cytogenetic location: 17q11.2.
Variant type: single nucleotide variant.
Coding change: c.5482C>G on transcript NM_001042492.3 (MANE Select); coding-DNA position 5482, C replaced by G.
Protein change: p.Arg1828Gly; replaces arginine 1828 with glycine.
Molecular consequence: missense variant.
Genome position (GRCh38, 1-based): chr17:31,327,712, C>G. VCF-style: chr17-31327712-C-G. GRCh37 (hg19) VCF-style: chr17-29654730-C-G.
Other names: c.5419C>G, p.Arg1807Gly (NM_000267.4); short protein forms R1807G, R1828G.
Identifiers: ClinVar variation 644770 (VCV000644770.5), dbSNP rs1555533609, ClinGen allele CA399009540.

ClinVar aggregate classification (germline): Uncertain significance (1 of 4 stars; one submission).

Conditions:
Neurofibromatosis, type 1 (NF1). Also called: NEUROFIBROMATOSIS, TYPE I, SOMATIC; VON RECKLINGHAUSEN DISEASE; Neurofibromatosis, type I; Peripheral type neurofibromatosis. Identifiers: Orphanet 636, MedGen C0027831, MONDO:0018975, OMIM 162200. Disease mechanism: loss of function.

Submission:

Labcorp Genetics (formerly Invitae), Labcorp
Classification: Uncertain significance for Neurofibromatosis, type 1. Last evaluated: 2018-10-04. Review status: criteria provided, single submitter. Criteria: Invitae Variant Classification Sherloc (09022015). Collection method: clinical testing. Allele origin: germline.
Comment: This sequence change replaces arginine with glycine at codon 1807 of the NF1 protein (p.Arg1807Gly). The arginine residue is moderately conserved and there is a moderate physicochemical difference between arginine and glycine. This variant is not present in population databases (ExAC no frequency). This variant has not been reported in the literature in individuals with NF1-related disease. Algorithms developed to predict the effect of missense changes on protein structure and function are either unavailable or do not agree on the potential impact of this missense change (SIFT: "Deleterious"; PolyPhen-2: "Probably Damaging"; Align-GVGD: "Class C0"). In summary, the available evidence is currently insufficient to determine the role of this variant in disease. Therefore, it has been classified as a Variant of Uncertain Significance.